The following is an entry in ClinVar:

ClinVar aggregate classification (germline): Pathogenic/Likely pathogenic. Review status: criteria provided, multiple submitters, no conflicts (2 of 4 stars). 7 submissions from 7 submitters: Pathogenic (1); Likely pathogenic (5). 1 of the submissions does not count toward it. Last evaluated 2025-01-29.

Conditions:
FANCC-related disorder. Also called: FANCC-related condition.
Fanconi anemia (FA). Also called: Fanconi's anemia. Identifiers: Orphanet 84, MedGen C0015625, MeSH D005199, MONDO:0019391.
Fanconi anemia complementation group C (FANCC). Also called: FANCC-Related Fanconi Anemia; FANCONI PANCYTOPENIA, TYPE 3; FACC; Fanconi anemia, group C. Identifiers: Orphanet 84, MedGen C3468041, MONDO:0009213, OMIM 227645.

Allele frequency attached by ClinVar (database versions not stated): gnomAD exomes 0.00001 and 0.00002; TOPMed 0.00002.
gnomAD v4.1: 27 of 1,614,144 alleles (0.0017%); highest among the groups gnomAD compares: Non-Finnish European, 0.0023%; no homozygotes.

Submissions (7):

PreventionGenetics, part of Exact Sciences
Classification: Likely pathogenic for FANCC-related condition. Last evaluated: 2025-01-29. Review status: criteria provided, single submitter. Criteria: ACMG Guidelines, 2015. Collection method: clinical testing. Allele origin: germline.
Comment: The FANCC c.1628C>A variant is predicted to result in premature protein termination (p.Ser543*). This variant has been reported in an individual with Ewing sarcoma (Gillani et al. 2022. PubMed ID: 35512711. Table S4). Although this variant occurs at the last exon of the gene, a different nonsense variant (p.Arg548*) located downstream has been reported to be pathogenic (De Rocco et al. 2014. PubMed ID: 24584348; Murer-Orlando et al. 1993. PubMed ID: 8103176). This variant is reported in 0.0018% of alleles in individuals of European (Non-Finnish) descent in gnomAD. Nonsense variants in FANCC are expected to be pathogenic. This variant is interpreted as likely pathogenic.

Natera, Inc.
Classification: Likely pathogenic for Fanconi anemia. Last evaluated: 2024-07-16. Review status: criteria provided, single submitter. Criteria: Natera Variant Classification Schema (03/2026). Collection method: clinical testing. Allele origin: germline.
Comment: The c.1628C>A variant in FANCC is a nonsense variant predicted to introduce a stop codon at amino acid 543. This variant is expected to result in nonsense mediated decay, truncation, or a dysfunctional protein product. This variant is rare in the general population with a frequency below the threshold expected for the associated phenotype(s). Given the available evidence, this variant is classified as Likely Pathogenic.

Baylor Genetics
Classification: Likely pathogenic for Fanconi anemia complementation group C. Last evaluated: 2023-12-20. Review status: criteria provided, single submitter. Criteria: ACMG Guidelines, 2015. Collection method: clinical testing. Allele origin: unknown.

Labcorp Genetics (formerly Invitae), Labcorp
Classification: Pathogenic for Fanconi anemia. Last evaluated: 2019-10-07. Review status: criteria provided, single submitter. Criteria: Invitae Variant Classification Sherloc (09022015). Collection method: clinical testing. Allele origin: germline.
Comment: This sequence change results in a premature translational stop signal in the FANCC gene (p.Ser543*). While this is not anticipated to result in nonsense mediated decay, it is expected to disrupt the last 16 amino acids of the FANCC protein. This variant is not present in population databases (ExAC no frequency). This variant has not been reported in the literature in individuals with FANCC-related conditions. ClinVar contains an entry for this variant (Variation ID: 370412). Experimental studies and prediction algorithms are not available for this variant, and the functional significance of the affected amino acid(s) is currently unknown. This variant disrupts the C-terminus of the FANCC protein. Other variant(s) that disrupt this region (p.Arg548*) have been determined to be pathogenic (PMID: 8103176, 8882868, 24584348). This suggests that variants that disrupt this region of the protein are likely to be causative of disease. For these reasons, this variant has been classified as Pathogenic.

Revvity Omics, Revvity
Classification: Likely pathogenic for Fanconi anemia complementation group C. Last evaluated: 2019-03-29. Review status: criteria provided, single submitter. Criteria: ACMG Guidelines, 2015. Collection method: clinical testing. Allele origin: germline.

GeneDx
Classification: Likely pathogenic. Last evaluated: 2016-10-10. Review status: criteria provided, single submitter. Criteria: GeneDx Variant Classification (06012015). Collection method: clinical testing. Allele origin: germline. Affected: yes.
Comment: This variant is denoted FANCC c.1628C>A at the cDNA level and p.Ser543Ter (S543X) at the protein level. The substitution creates a nonsense variant, which changes a Serine to a premature stop codon (TCA>TAA), and is predicted to cause loss of normal protein function through protein truncation. Even though this truncation occurs near the end of the gene and nonsense-mediated decay is not expected to occur, it is significant since the last 49 amino acids are no longer translated. Furthermore, the truncation would disrupt the region of interaction with cdc2 (Gordon 2000). Although this variant has not, to our knowledge, been reported in the literature, we consider it to be likely pathogenic.

Counsyl
Classification: Likely pathogenic for Fanconi anemia complementation group C. Last evaluated: 2016-02-03. Review status: no assertion criteria provided. Collection method: clinical testing. Allele origin: unknown. Not counted in ClinVar's aggregate classification.

Literature cited by the submitters: PubMed 8103176 (cited by Labcorp Genetics (formerly Invitae), Labcorp); PubMed 8882868 (cited by Labcorp Genetics (formerly Invitae), Labcorp and Counsyl); PubMed 24584348 (cited by Labcorp Genetics (formerly Invitae), Labcorp).

NM_000136.3(FANCC):c.1628C>A (p.Ser543Ter)

Genes: AOPEP (aminopeptidase O (putative); plus strand), FANCC (FA complementation group C; minus strand). Cytogenetic location: 9q22.32.
Variant type: single nucleotide variant.
Coding change: c.1628C>A on transcript NM_000136.3 (MANE Select); coding-DNA position 1628, C replaced by A.
Protein change: p.Ser543Ter; replaces serine 543 with a stop codon.
Molecular consequence: nonsense.
Genome position (GRCh38, 1-based): chr9:95,101,756, G>T on the plus strand (C>A on the coding strand, the complement: FANCC is on the minus strand). VCF-style: chr9-95101756-G-T. GRCh37 (hg19) VCF-style: chr9-97864038-G-T.
Other names: c.1628C>A, p.Ser543Ter (NM_001243743.2); short protein forms S543*.
Identifiers: ClinVar variation 370412 (VCV000370412.22), dbSNP rs867319477, ClinGen allele CA16041334.